The following is an entry in ClinVar:

NM_001243925.2(MAPKAPK3):c.1030G>A (p.Val344Ile)

Gene: MAPKAPK3 (MAPK activated protein kinase 3; plus strand). Cytogenetic location: 3p21.2.
Variant type: single nucleotide variant.
Coding change: c.1030G>A on transcript NM_001243925.2 (MANE Select); coding-DNA position 1030, G replaced by A.
Protein change: p.Val344Ile; replaces valine 344 with isoleucine.
Molecular consequence: missense variant.
Genome position (GRCh38, 1-based): chr3:50,647,927, G>A. VCF-style: chr3-50647927-G-A. GRCh37 (hg19) VCF-style: chr3-50685358-G-A.
Other names: c.1030G>A, p.Val344Ile (NM_001243926.2, NM_004635.5); short protein forms V344I.
Identifiers: ClinVar variation 1928918 (VCV001928918.5), dbSNP rs1576018619, ClinGen allele CA352939946.

ClinVar aggregate classification (germline): Uncertain significance (1 of 4 stars; one submission).

Allele frequency attached by ClinVar (database versions not stated): gnomAD exomes below 0.00001; gnomAD 0.00001.

Submission:

Labcorp Genetics (formerly Invitae), Labcorp
Classification: Uncertain significance. Last evaluated: 2025-01-27. Review status: criteria provided, single submitter. Criteria: Invitae Variant Classification Sherloc (09022015). Collection method: clinical testing. Allele origin: germline.
Comment: This sequence change replaces valine, which is neutral and non-polar, with isoleucine, which is neutral and non-polar, at codon 344 of the MAPKAPK3 protein (p.Val344Ile). This variant is not present in population databases (gnomAD no frequency). This variant has not been reported in the literature in individuals affected with MAPKAPK3-related conditions. ClinVar contains an entry for this variant (Variation ID: 1928918). An algorithm developed to predict the effect of missense changes on protein structure and function (PolyPhen-2) suggests that this variant is likely to be disruptive. In summary, the available evidence is currently insufficient to determine the role of this variant in disease. Therefore, it has been classified as a Variant of Uncertain Significance.